The following is an entry in ClinVar:

ClinVar aggregate classification (germline): Uncertain significance (1 of 4 stars; one submission).

Conditions:
Bainbridge-Ropers syndrome. Also called: Severe feeding difficulties-failure to thrive-microcephaly due to ASXL3 deficiency syndrome. Identifiers: Orphanet 352577, MedGen C4750837, MONDO:0014205, OMIM 615485.

Submission:

Juno Genomics, Hangzhou Juno Genomics, Inc
Classification: Uncertain significance for Bainbridge-Ropers syndrome. Review status: criteria provided, single submitter. Criteria: ACMG Guidelines, 2015. Collection method: clinical testing. Allele origin: germline.
Comment: Absent from controls (or at extremely low frequency if recessive) in Genome Aggregation Database.

NM_030632.3(ASXL3):c.3028C>T (p.Pro1010Ser)

Gene: ASXL3 (ASXL transcriptional regulator 3; plus strand). Cytogenetic location: 18q12.1.
Variant type: single nucleotide variant.
Coding change: c.3028C>T on transcript NM_030632.3 (MANE Select); coding-DNA position 3028, C replaced by T.
Protein change: p.Pro1010Ser; replaces proline 1010 with serine.
Molecular consequence: missense variant.
Genome position (GRCh38, 1-based): chr18:33,740,432, C>T. VCF-style: chr18-33740432-C-T. GRCh37 (hg19) VCF-style: chr18-31320396-C-T.
Other names: short protein forms P1010S.
Identifiers: ClinVar variation 5005881 (VCV005005881.2).